The following is an entry in ClinVar:

NM_001042492.3(NF1):c.6856A>T (p.Asn2286Tyr)

Gene: NF1 (neurofibromin 1; plus strand). Cytogenetic location: 17q11.2.
Variant type: single nucleotide variant.
Coding change: c.6856A>T on transcript NM_001042492.3 (MANE Select); coding-DNA position 6856, A replaced by T.
Protein change: p.Asn2286Tyr; replaces asparagine 2286 with tyrosine.
Molecular consequence: missense variant.
Genome position (GRCh38, 1-based): chr17:31,338,740, A>T. VCF-style: chr17-31338740-A-T. GRCh37 (hg19) VCF-style: chr17-29665758-A-T.
Other names: c.6793A>T, p.Asn2265Tyr (NM_000267.4); short protein forms N2265Y, N2286Y.
Identifiers: ClinVar variation 3711029 (VCV003711029.4).
Genomic context (GRCh38, chr17:31,338,740, plus strand): 5'-TAAAAAATTCTGTTTTCCTAAAAGGCACTTGAGAGTTGCTTAAAAGGACCTGACACTTAC[A>T]ACAGTCAAGTTCTGATAGAAGCTACAGTAATAGCACTAACCAAATTACAGCCACTTCTTA-3'
Protein context (NP_001035957.1, residues 2276-2296): ESCLKGPDTY[Asn2286Tyr]SQVLIEATVI

ClinVar aggregate classification (germline): Uncertain significance. Review status: criteria provided, multiple submitters, no conflicts (2 of 4 stars). 3 submissions from 3 submitters: Uncertain significance (3). Last evaluated 2025-11-04.

Conditions:
Neurofibromatosis, type 1 (NF1). Also called: NEUROFIBROMATOSIS, TYPE I, SOMATIC; Neurofibromatosis, type I; VON RECKLINGHAUSEN DISEASE; Peripheral type neurofibromatosis. Identifiers: Orphanet 636, MedGen C0027831, MONDO:0018975, OMIM 162200. Disease mechanism: loss of function.
Cardiovascular phenotype. Identifiers: MedGen CN230736.
Hereditary cancer-predisposing syndrome. Also called: Hereditary Cancer Syndrome; Neoplastic Syndromes, Hereditary; Tumor predisposition; Hereditary neoplastic syndrome. Identifiers: Orphanet 140162, MedGen C0027672, MeSH D009386, MONDO:0015356.

gnomAD v4.1: 1 of 1,613,418 alleles (0.000062%); highest among the groups gnomAD compares: Admixed American, 0.0017%; no homozygotes.

Submissions (3):

Ambry Genetics
Classification: Uncertain significance for Cardiovascular phenotype; Hereditary cancer-predisposing syndrome. Last evaluated: 2025-11-04. Review status: criteria provided, single submitter. Criteria: Ambry Variant Classification Scheme 2023. Collection method: clinical testing. Allele origin: germline.
Comment: The p.N2265Y variant (also known as c.6793A>T), located in coding exon 45 of the NF1 gene, results from an A to T substitution at nucleotide position 6793. The asparagine at codon 2265 is replaced by tyrosine, an amino acid with dissimilar properties. This amino acid position is highly conserved in available vertebrate species. In addition, the in silico prediction for this alteration is inconclusive. Based on the available evidence, the clinical significance of this alteration remains unclear.

Quest Diagnostics Nichols Institute San Juan Capistrano
Classification: Uncertain significance. Last evaluated: 2025-02-14. Review status: criteria provided, single submitter. Criteria: Quest Diagnostics criteria. Collection method: clinical testing. Allele origin: unknown.

Labcorp Genetics (formerly Invitae), Labcorp
Classification: Uncertain significance for Neurofibromatosis, type 1. Last evaluated: 2024-10-30. Review status: criteria provided, single submitter. Criteria: Invitae Variant Classification Sherloc (09022015). Collection method: clinical testing. Allele origin: germline.
Comment: This sequence change replaces asparagine, which is neutral and polar, with tyrosine, which is neutral and polar, at codon 2265 of the NF1 protein (p.Asn2265Tyr). This variant is not present in population databases (gnomAD no frequency). This variant has not been reported in the literature in individuals affected with NF1-related conditions. Invitae Evidence Modeling of protein sequence and biophysical properties (such as structural, functional, and spatial information, amino acid conservation, physicochemical variation, residue mobility, and thermodynamic stability) has been performed for this missense variant. However, the output from this modeling did not meet the statistical confidence thresholds required to predict the impact of this variant on NF1 protein function. In summary, the available evidence is currently insufficient to determine the role of this variant in disease. Therefore, it has been classified as a Variant of Uncertain Significance.